The following is an entry in ClinVar:

NM_001371279.1(REEP1):c.561G>A (p.Met187Ile)

Gene: REEP1 (receptor accessory protein 1; minus strand). Cytogenetic location: 2p11.2.
Variant type: single nucleotide variant.
Coding change: c.561G>A on transcript NM_001371279.1 (MANE Select); coding-DNA position 561, G replaced by A.
Protein change: p.Met187Ile; replaces methionine 187 with isoleucine.
Molecular consequence: missense variant. On other transcripts: intron variant (1).
Genome position (GRCh38, 1-based): chr2:86,232,659, C>T on the plus strand (G>A on the coding strand, the complement: REEP1 is on the minus strand). VCF-style: chr2-86232659-C-T. GRCh37 (hg19) VCF-style: chr2-86459782-C-T.
Other names: c.582G>A, p.Met194Ile (NM_001164730.2); c.480G>A, p.Met160Ile (NM_001164731.2); c.326G>A, p.Cys109Tyr (NM_001164732.2); c.561G>A, p.Met187Ile (NM_022912.3); c.418-15549G>A (NM_001371280.1); short protein forms M194I, C109Y, M160I, M187I.
Identifiers: ClinVar variation 645747 (VCV000645747.8), dbSNP rs1378939892, ClinGen allele CA347547164.
Genomic context (GRCh38, chr2:86,232,659, plus strand): 5'-AAGAGGGGAAGTAAAGTGACACCTACCTGAGCTGCTAGCGCTCTCAGAAGCACTCCTGGA[C>T]ATCTTAGGCTGGCCGTGTTTGCCGCTGGCCCGCCCAGACCCCGGTGGTGGGGGGCCCGAG-3'
Protein context (NP_001358208.1, residues 177-197): RASGKHGQPK[Met187Ile]SRSASESASS

ClinVar aggregate classification (germline): Uncertain significance (1 of 4 stars; one submission).

Conditions:
Hereditary spastic paraplegia 31. Also called: SPASTIC PARAPLEGIA 31, AUTOSOMAL DOMINANT. Identifiers: Orphanet 101011, MedGen C1853247, MONDO:0012453, OMIM 610250.

Allele frequency attached by ClinVar (database versions not stated): gnomAD exomes below 0.00001.

Submission:

Labcorp Genetics (formerly Invitae), Labcorp
Classification: Uncertain significance for Hereditary spastic paraplegia 31. Last evaluated: 2025-12-04. Review status: criteria provided, single submitter. Criteria: Invitae Variant Classification Sherloc (09022015). Collection method: clinical testing. Allele origin: germline.
Comment: This sequence change replaces methionine, which is neutral and non-polar, with isoleucine, which is neutral and non-polar, at codon 187 of the REEP1 protein (p.Met187Ile). This variant is present in population databases (no rsID available, gnomAD 0.003%). This variant has not been reported in the literature in individuals affected with REEP1-related conditions. ClinVar contains an entry for this variant (Variation ID: 645747). An algorithm developed to predict the effect of missense changes on protein structure and function (PolyPhen-2) suggests that this variant is likely to be tolerated. In summary, the available evidence is currently insufficient to determine the role of this variant in disease. Therefore, it has been classified as a Variant of Uncertain Significance.